The following is an entry in ClinVar:

NM_001032283.3(TMPO):c.565+1648A>G

Gene: TMPO (thymopoietin; plus strand). Cytogenetic location: 12q23.1.
Variant type: single nucleotide variant.
Coding change: c.565+1648A>G on transcript NM_001032283.3 (MANE Select); 1648 bases into the intron after coding-DNA position 565, A replaced by G.
Molecular consequence: intron variant. On other transcripts: missense variant (1).
Genome position (GRCh38, 1-based): chr12:98,533,486, A>G. VCF-style: chr12-98533486-A-G. GRCh37 (hg19) VCF-style: chr12-98927264-A-G.
Other names: c.1229A>G, p.Lys410Arg (NM_003276.2); c.565+1648A>G (NM_001307975.2, NM_001032284.3); short protein forms K410R.
Identifiers: ClinVar variation 393253 (VCV000393253.7), dbSNP rs1057524856, ClinGen allele CA16606620.

ClinVar aggregate classification (germline): Uncertain significance. Review status: criteria provided, multiple submitters, no conflicts (2 of 4 stars). 2 submissions from 2 submitters: Uncertain significance (2). Last evaluated 2022-04-07.

Conditions:
Loeys-Dietz syndrome 2 (LDS2). Also called: Marfan syndrome, type 2 (formerly); TGFBR2-Related Loeys-Dietz Syndrome; AORTIC ANEURYSM, FAMILIAL THORACIC 3; MARFAN SYNDROME, TYPE II; Marfan Syndrome type 2; Marfan like connective tissue disorder. Identifiers: Orphanet 284973, Orphanet 558, MedGen C2674574, MONDO:0012427, OMIM 610168.

Allele frequency attached by ClinVar (database versions not stated): gnomAD 0.00001; gnomAD exomes 0.00001; TOPMed 0.00001.
gnomAD v4.1: 15 of 1,614,092 alleles (0.00093%); highest among the groups gnomAD compares: Non-Finnish European, 0.0011%; no homozygotes.

Submissions (2):

Labcorp Genetics (formerly Invitae), Labcorp
Classification: Uncertain significance for Loeys-Dietz syndrome 2. Last evaluated: 2022-04-07. Review status: criteria provided, single submitter. Criteria: Invitae Variant Classification Sherloc (09022015). Collection method: clinical testing. Allele origin: germline.
Comment: ClinVar contains an entry for this variant (Variation ID: 393253). In summary, the available evidence is currently insufficient to determine the role of this variant in disease. Therefore, it has been classified as a Variant of Uncertain Significance. Algorithms developed to predict the effect of missense changes on protein structure and function (SIFT, PolyPhen-2, Align-GVGD) all suggest that this variant is likely to be tolerated. This variant has not been reported in the literature in individuals affected with TMPO-related conditions. This variant is not present in population databases (gnomAD no frequency). This sequence change replaces lysine, which is basic and polar, with arginine, which is basic and polar, at codon 410 of the TMPO protein (p.Lys410Arg).

GeneDx
Classification: Uncertain significance. Last evaluated: 2017-02-01. Review status: criteria provided, single submitter. Criteria: GeneDx Variant Classification (06012015). Collection method: clinical testing. Allele origin: germline. Affected: yes.
Comment: A variant of uncertain significance has been identified in the TMPO gene. The K410R variant has not been publishedas pathogenic or been reported as benign to our knowledge. It is not observed in large population cohorts (Lek et al.,2016; Exome Variant Server). However, the K410R variant is a conservative amino acid substitution, which is notlikely to impact secondary protein structure as these residues share similar properties. In addition, this substitutionoccurs at a position that is not conserved across species. Nonetheless, in silico analysis is inconsistent in itspredictions as to whether or not the variant is damaging to the protein structure/function. Finally, this variant lacksobservation in a significant number of affected individuals, segregation data, and functional evidence, all of whichwould further clarify pathogenicity.